The following is an entry in ClinVar:

ClinVar aggregate classification (germline): Pathogenic/Likely pathogenic. Review status: criteria provided, multiple submitters, no conflicts (2 of 4 stars). 6 submissions from 6 submitters: Pathogenic (1); Likely pathogenic (4). 1 of the submissions does not count toward it. Last evaluated 2025-07-14.

Conditions:
VPS13B-related disorder. Also called: VPS13B-related condition.
Cohen syndrome (COH1). Also called: Cutis verticis gyrata, retinitis pigmentosa, and sensorineural deafness; PEPPER SYNDROME. Identifiers: Orphanet 193, MedGen C0265223, MONDO:0008999, OMIM 216550.

Allele frequency attached by ClinVar (database versions not stated): gnomAD exomes below 0.00001; TOPMed 0.00001.
gnomAD v4.1: 1 of 1,613,680 alleles (0.000062%); highest among the groups gnomAD compares: Non-Finnish European, 0.000085%; no homozygotes.

Submissions (7):

Labcorp Genetics (formerly Invitae), Labcorp
Classification: Pathogenic for Cohen syndrome. Last evaluated: 2025-07-14. Review status: criteria provided, single submitter. Criteria: Invitae Variant Classification Sherloc (09022015). Collection method: clinical testing. Allele origin: germline.
Comment: This sequence change affects an acceptor splice site in intron 46 of the VPS13B gene. It is expected to disrupt RNA splicing. Variants that disrupt the donor or acceptor splice site typically lead to a loss of protein function (PMID: 16199547), and loss-of-function variants in VPS13B are known to be pathogenic (PMID: 15141358, 16648375, 20461111). This variant is not present in population databases (gnomAD no frequency). Disruption of this splice site has been observed in individual(s) with VPS13B-related disease (internal data). In at least one individual the data is consistent with being in trans (on the opposite chromosome) from a pathogenic variant. ClinVar contains an entry for this variant (Variation ID: 459251). Algorithms developed to predict the effect of sequence changes on RNA splicing suggest that this variant may disrupt the consensus splice site. For these reasons, this variant has been classified as Pathogenic.

Natera, Inc.
Classification: Likely pathogenic for Cohen syndrome. Last evaluated: 2025-06-30. Review status: criteria provided, single submitter. Criteria: Natera Variant Classification Schema (03/2026). Collection method: clinical testing. Allele origin: germline.
Comment: The c.8521-1G>T variant in VPS13B is a canonical splice acceptor site variant predicted to affect pre-mRNA splicing, which may result in an abnormal transcript and altered protein product. This variant is expected to result in nonsense mediated decay, truncation, or a dysfunctional protein product. This variant is rare in the general population with a frequency below the threshold expected for the associated phenotype(s). Given the available evidence, this variant is classified as Likely Pathogenic.

Blueprint Genetics
Classification: Likely pathogenic for VPS13B-related disorders. Last evaluated: 2022-12-08. Review status: criteria provided, single submitter. Criteria: ACMG Guidelines, 2015. Collection method: clinical testing. Allele origin: germline. Affected: yes. Observed: 1 variant allele.

Women's Health and Genetics/Laboratory Corporation of America, LabCorp
Classification: Likely pathogenic for Cohen syndrome. Last evaluated: 2022-08-07. Review status: criteria provided, single submitter. Criteria: LabCorp Variant Classification Summary - May 2015. Collection method: clinical testing. Allele origin: germline.
Comment: Variant summary: VPS13B c.8521-1G>T is located in a canonical splice-site and is predicted to affect mRNA splicing resulting in a significantly altered protein due to either exon skipping, shortening, or inclusion of intronic material. Several computational tools predict a significant impact on normal splicing: Four predict the variant abolishes the canonical 3' splicing acceptor site. Two predict the variant strengthens an alternate cryptic exonic 3' splice acceptor site. However, these predictions have yet to be confirmed by functional studies. Loss of function variants are associated with Cohen Syndrome in HGMD. The variant was absent in 250248 control chromosomes (gnomAD). To our knowledge, no occurrence of c.8521-1G>T in individuals affected with Cohen Syndrome and no experimental evidence demonstrating its impact on protein function have been reported. Three clinical diagnostic laboratories have submitted clinical-significance assessments for this variant to ClinVar after 2014 and classified the variant as pathogenic (n=1) and likely pathogenic (n=2). Based on the evidence outlined above, the variant was classified as likely pathogenic.

Greenwood Genetic Center Diagnostic Laboratories, Greenwood Genetic Center
Classification: Likely pathogenic. Last evaluated: 2021-01-22. Review status: criteria provided, single submitter. Criteria: ACMG Guidelines, 2015. Collection method: clinical testing. Allele origin: germline. Affected: yes.
Comment: PVS1, PM2

Counsyl
Classification: Likely pathogenic for Cohen syndrome. Last evaluated: 2017-11-07. Review status: no assertion criteria provided. Collection method: clinical testing. Allele origin: unknown. Not counted in ClinVar's aggregate classification.

Dr. Peter K. Rogan Lab, Western University
No classification provided (evidence only). Condition: Acute myeloid leukemia. Review status: no classification provided. Collection method: in vitro. Allele origin: not applicable. Functional consequence: skipped exon. Not counted in ClinVar's aggregate classification.

Literature cited by the submitters: PubMed 16199547 (cited by Labcorp Genetics (formerly Invitae), Labcorp); PubMed 15141358 (cited by Labcorp Genetics (formerly Invitae), Labcorp); PubMed 16648375 (cited by Labcorp Genetics (formerly Invitae), Labcorp); PubMed 20461111 (cited by Labcorp Genetics (formerly Invitae), Labcorp).

NM_152564.5(VPS13B):c.8446-1G>T

Gene: VPS13B (vacuolar protein sorting 13 homolog B; plus strand). Cytogenetic location: 8q22.2.
Variant type: single nucleotide variant.
Coding change: c.8446-1G>T on transcript NM_152564.5 (MANE Select); the canonical splice acceptor site of the intron before coding-DNA position 8446, G replaced by T.
Molecular consequence: splice acceptor variant.
Genome position (GRCh38, 1-based): chr8:99,818,712, G>T. VCF-style: chr8-99818712-G-T. GRCh37 (hg19) VCF-style: chr8-100830940-G-T.
Other names: c.8521-1G>T (NM_017890.5).
Identifiers: ClinVar variation 459251 (VCV000459251.18), dbSNP rs1554566596, ClinGen allele CA371774007.